The following is an entry in ClinVar:

ClinVar aggregate classification (germline): Uncertain significance. Review status: criteria provided, multiple submitters, no conflicts (2 of 4 stars). 3 submissions from 3 submitters: Uncertain significance (3). Last evaluated 2026-01-26.

Conditions:
Hereditary cancer-predisposing syndrome. Also called: Neoplastic Syndromes, Hereditary; Tumor predisposition; Hereditary neoplastic syndrome; Hereditary Cancer Syndrome. Identifiers: Orphanet 140162, MedGen C0027672, MeSH D009386, MONDO:0015356.
Familial adenomatous polyposis 1 (FAP1). Also called: POLYPOSIS, ADENOMATOUS INTESTINAL; FAMILIAL ADENOMATOUS POLYPOSIS 1, ATTENUATED. Identifiers: MedGen C2713442, MONDO:0021056, OMIM 175100. Disease mechanism: loss of function.

Allele frequency attached by ClinVar (database versions not stated): gnomAD exomes below 0.00001.
gnomAD v4.1: 1 of 1,610,712 alleles (0.000062%); highest among the groups gnomAD compares: Admixed American, 0.0017%; no homozygotes.

Submissions (3):

Labcorp Genetics (formerly Invitae), Labcorp
Classification: Uncertain significance for Familial adenomatous polyposis 1. Last evaluated: 2026-01-26. Review status: criteria provided, single submitter. Criteria: Invitae Variant Classification Sherloc (09022015). Collection method: clinical testing. Allele origin: germline.
Comment: This sequence change replaces serine, which is neutral and polar, with asparagine, which is neutral and polar, at codon 2161 of the APC protein (p.Ser2161Asn). This variant is present in population databases (no rsID available, gnomAD 0.003%). This missense change has been observed in individual(s) with clinical features of APC-related conditions (PMID: 36243179; internal data). ClinVar contains an entry for this variant (Variation ID: 826432). Invitae Evidence Modeling of protein sequence and biophysical properties (such as structural, functional, and spatial information, amino acid conservation, physicochemical variation, residue mobility, and thermodynamic stability) indicates that this missense variant is not expected to disrupt APC protein function with a negative predictive value of 95%. In summary, the available evidence is currently insufficient to determine the role of this variant in disease. Therefore, it has been classified as a Variant of Uncertain Significance.

Ambry Genetics
Classification: Uncertain significance for Hereditary cancer-predisposing syndrome. Last evaluated: 2025-07-28. Review status: criteria provided, single submitter. Criteria: Ambry Variant Classification Scheme 2023. Collection method: clinical testing. Allele origin: germline.
Comment: The p.S2161N variant (also known as c.6482G>A), located in coding exon 15 of the APC gene, results from a G to A substitution at nucleotide position 6482. The serine at codon 2161 is replaced by asparagine, an amino acid with highly similar properties. This amino acid position is not well conserved in available vertebrate species. In addition, in silico predictors for this gene do not accurately predict pathogenicity. Since supporting evidence is limited at this time, the clinical significance of this alteration remains unclear.

Color Diagnostics, LLC DBA Color Health
Classification: Uncertain significance for Hereditary cancer-predisposing syndrome. Last evaluated: 2023-12-05. Review status: criteria provided, single submitter. Criteria: ACMG Guidelines, 2015. Collection method: clinical testing. Allele origin: germline.
Comment: This missense variant replaces serine with asparagine at codon 2161 of the APC protein. Computational prediction suggests that this variant may not impact protein structure and function (internally defined REVEL score threshold <= 0.5, PMID: 27666373). To our knowledge, functional studies have not been reported for this variant. This variant has not been reported in individuals affected with APC-related disorders in the literature. This variant has been identified in 1/249974 chromosomes in the general population by the Genome Aggregation Database (gnomAD). The available evidence is insufficient to determine the role of this variant in disease conclusively. Therefore, this variant is classified as a Variant of Uncertain Significance.

Literature cited by the submitters: PubMed 36243179 (cited by Labcorp Genetics (formerly Invitae), Labcorp).

NM_000038.6(APC):c.6482G>A (p.Ser2161Asn)

Gene: APC (APC regulator of Wnt signaling pathway; plus strand). Cytogenetic location: 5q22.2.
Variant type: single nucleotide variant.
Coding change: c.6482G>A on transcript NM_000038.6 (MANE Select); coding-DNA position 6482, G replaced by A.
Protein change: p.Ser2161Asn; replaces serine 2161 with asparagine.
Molecular consequence: missense variant.
Genome position (GRCh38, 1-based): chr5:112,842,076, G>A. VCF-style: chr5-112842076-G-A. GRCh37 (hg19) VCF-style: chr5-112177773-G-A.
Other names: c.6482G>A, p.Ser2161Asn (NM_001127510.3, NM_001354895.2); c.6428G>A, p.Ser2143Asn (NM_001127511.3); c.6536G>A, p.Ser2179Asn (NM_001354896.2); c.6512G>A, p.Ser2171Asn (NM_001354897.2); c.6407G>A, p.Ser2136Asn (NM_001354898.2); c.6398G>A, p.Ser2133Asn (NM_001354899.2); c.6359G>A, p.Ser2120Asn (NM_001354900.2); c.6305G>A, p.Ser2102Asn (NM_001354901.2); and 5 more; short protein forms S2102N, S2120N, S2171N, S2035N, S2143N, S2179N, S2001N, S2060N.
Identifiers: ClinVar variation 826432 (VCV000826432.19), dbSNP rs1374834291, ClinGen allele CA16035517.
Genomic context (GRCh38, chr5:112,842,076, plus strand): 5'-GAATCTCTCTGGGATCACCATTTCATCTTACACCTGATCAAGAAGAAAAACCCTTTACAA[G>A]TAATAAAGGCCCACGAATTCTAAAACCAGGGGAGAAAAGTACATTGGAAACTAAAAAGAT-3'
Protein context (NP_000029.2, residues 2151-2171): TPDQEEKPFT[Ser2161Asn]NKGPRILKPG